The following is an entry in ClinVar:

ClinVar aggregate classification (germline): Conflicting classifications of pathogenicity. Review status: criteria provided, conflicting classifications (1 of 4 stars). 5 submissions from 5 submitters: Uncertain significance (2); Benign (1); Likely benign (1). 1 of the submissions does not count toward it. Last evaluated 2025-12-27.

Conditions:
MPZ-related disorder. Also called: MPZ-related condition; MPZ-related disorders.
Charcot-Marie-Tooth disease dominant intermediate D. Also called: CHARCOT-MARIE-TOOTH NEUROPATHY, DOMINANT INTERMEDIATE D; Charcot-Marie-Tooth disease dominant intermediate 3; CMT DI3. Identifiers: Orphanet 100046, MedGen C1843075, MONDO:0011909, OMIM 607791.
Charcot-Marie-Tooth disease type 2I (CMT2I). Also called: CHARCOT-MARIE-TOOTH DISEASE, AXONAL, TYPE 2I. Identifiers: Orphanet 99942, MedGen C3888087, MONDO:0011889, OMIM 607677.
Charcot-Marie-Tooth disease type 2J (CMT2J). Also called: CHARCOT-MARIE-TOOTH DISEASE, AXONAL, TYPE 2J; CHARCOT-MARIE-TOOTH DISEASE, TYPE 2, WITH HEARING LOSS AND PUPILLARY ABNORMALITIES; CHARCOT-MARIE-TOOTH NEUROPATHY, TYPE 2J. Identifiers: Orphanet 99943, MedGen C1843153, MONDO:0011903, OMIM 607736.
Charcot-Marie-Tooth disease type 1B. Also called: CHARCOT-MARIE-TOOTH DISEASE, AUTOSOMAL DOMINANT, WITH FOCALLY FOLDED MYELIN SHEATHS, TYPE 1B; CHARCOT-MARIE-TOOTH DISEASE, SLOW NERVE CONDUCTION TYPE, LINKED TO DUFFY; CHARCOT-MARIE-TOOTH NEUROPATHY, TYPE 1B; HEREDITARY MOTOR AND SENSORY NEUROPATHY I; HEREDITARY MOTOR AND SENSORY NEUROPATHY IB; PERONEAL MUSCULAR ATROPHY. Identifiers: Orphanet 101082, MedGen C0270912, MONDO:0007307, OMIM 118200.
Roussy-Lévy syndrome. Also called: Roussy-Levy Syndrome; Roussy Levy hereditary areflexic dystasia; Roussy-Levy disease; Hereditary areflexic dystasia. Identifiers: Orphanet 3115, MedGen C0205713, MONDO:0008392, OMIM 180800.
Dejerine-Sottas disease. Also called: HMSN Type III; DEJERINE-SOTTAS NEUROPATHY; HEREDITARY MOTOR AND SENSORY NEUROPATHY TYPE III; Hereditary motor and sensory neuropathy 3; Charcot-Marie-Tooth disease type 3. Identifiers: Orphanet 64748, MedGen C0011195, MONDO:0007790, OMIM 145900.
Charcot-Marie-Tooth disease type 4E (CHN1). Also called: Congenital hypomyelinating neuropathy 1, autosomal recessive; CHARCOT-MARIE-TOOTH DISEASE, DEMYELINATING, TYPE 4E; HYPOMYELINATION, SEVERE CONGENITAL; Hypomyelinating neuropathy, congenital, 1; Congenital Hypomyelination. Identifiers: Orphanet 99951, MedGen C4721436, MONDO:0011527, OMIM 605253.
Inborn genetic diseases. Identifiers: MedGen C0950123, MeSH D030342.
Charcot-Marie-Tooth disease, type I (CMT1). Also called: Charcot-Marie-Tooth disease type 1; Charcot-Marie-Tooth, Type 1. Identifiers: Orphanet 65753, MedGen C0751036, MONDO:0019011.

Allele frequency attached by ClinVar (database versions not stated): gnomAD exomes 0.00006 and 0.00018; ExAC 0.00016; ESP Exome Variant Server 0.00023; gnomAD 0.00046 and 0.00051; 1000 Genomes Project 30x 0.00047; TOPMed 0.00054; 1000 Genomes Project 0.00060.
gnomAD v4.1: 164 of 1,614,236 alleles (0.01%); highest among the groups gnomAD compares: African/African-American, 0.15%; 1 homozygote.

Submissions (5):

Labcorp Genetics (formerly Invitae), Labcorp
Classification: Likely benign for Charcot-Marie-Tooth disease, type I. Last evaluated: 2025-12-27. Review status: criteria provided, single submitter. Criteria: Invitae Variant Classification Sherloc (09022015). Collection method: clinical testing. Allele origin: germline.

Ambry Genetics
Classification: Benign for Inborn genetic diseases. Last evaluated: 2022-01-05. Review status: criteria provided, single submitter. Criteria: Ambry Variant Classification Scheme 2023. Collection method: clinical testing. Allele origin: germline.

Fulgent Genetics
Classification: Uncertain significance for Charcot-Marie-Tooth disease type 1B; Dejerine-Sottas disease; Roussy-Lévy syndrome; Charcot-Marie-Tooth disease type 4E; Charcot-Marie-Tooth disease type 2I; Charcot-Marie-Tooth disease type 2J; Charcot-Marie-Tooth disease dominant intermediate D. Last evaluated: 2018-10-31. Review status: criteria provided, single submitter. Criteria: ACMG Guidelines, 2015. Collection method: clinical testing. Allele origin: unknown.

GeneDx
Classification: Uncertain significance. Last evaluated: 2016-11-10. Review status: criteria provided, single submitter. Criteria: GeneDx Variant Classification (06012015). Collection method: clinical testing. Allele origin: germline. Affected: yes.
Comment: The A638T variant has not been published as a pathogenic variant, nor has it been reported as a benign variant to our knowledge. It was not observed in approximately 6,500 individuals of European and African American ancestry in the NHLBI Exome Sequencing Project, indicating it is not a common benign variant in these populations. The A638T variant is a non-conservative amino acid substitution, which is likely to impact secondary protein structure as these residues differ in polarity, charge, size and/or other properties. However, this substitution occurs at a position that is not conserved, and in silico analysis predicts this variant likely does not alter the protein structure/function. Therefore, based on the currently available information, it is unclear whether this variant is a pathogenic variant or a rare benign variant

PreventionGenetics, part of Exact Sciences
Classification: Likely benign for MPZ-related condition. Last evaluated: 2022-05-17. Review status: no assertion criteria provided. Collection method: clinical testing. Allele origin: germline. Not counted in ClinVar's aggregate classification.
Comment: This variant is classified as likely benign based on ACMG/AMP sequence variant interpretation guidelines (Richards et al. 2015 PMID: 25741868, with internal and published modifications).

NM_000530.8(MPZ):c.133C>T (p.Arg45Trp)

Gene: MPZ (myelin protein zero; minus strand). Cytogenetic location: 1q23.3.
Variant type: single nucleotide variant.
Coding change: c.133C>T on transcript NM_000530.8 (MANE Select); coding-DNA position 133, C replaced by T.
Protein change: p.Arg45Trp; replaces arginine 45 with tryptophan.
Molecular consequence: missense variant.
Genome position (GRCh38, 1-based): chr1:161,307,359, G>A on the plus strand (C>T on the coding strand, the complement: MPZ is on the minus strand). VCF-style: chr1-161307359-G-A. GRCh37 (hg19) VCF-style: chr1-161277149-G-A.
Other names: c.133C>T (LRG_256t1, NM_000530.7); c.133C>T, p.Arg45Trp (NM_001315491.2); short protein forms R45W.
Identifiers: ClinVar variation 246524 (VCV000246524.16), dbSNP rs200151353, ClinGen allele CA1210227.